The following is an entry in ClinVar:

ClinVar aggregate classification (germline): Pathogenic/Likely pathogenic. Review status: criteria provided, multiple submitters, no conflicts (2 of 4 stars). 2 submissions from 2 submitters: Pathogenic (1); Likely pathogenic (1). Last evaluated 2024-02-21.

Conditions:
Complex cortical dysplasia with other brain malformations 6. Identifiers: MedGen C4014283, MONDO:0014341, OMIM 615771.

Submissions (2):

GeneDx
Classification: Likely pathogenic. Last evaluated: 2024-02-21. Review status: criteria provided, single submitter. Criteria: GeneDx Variant Classification Process June 2021. Collection method: clinical testing. Allele origin: germline. Affected: yes.
Comment: In silico analysis supports that this missense variant has a deleterious effect on protein structure/function; Not observed at significant frequency in large population cohorts (gnomAD); This variant is associated with the following publications: (PMID: 28554332)

HudsonAlpha Institute for Biotechnology
Classification: Pathogenic for Complex cortical dysplasia with other brain malformations 6. Last evaluated: 2016-04-14. Review status: criteria provided, single submitter. Criteria: HA_assertions_20161101. Collection method: research. Allele origin: de novo. Affected: yes. Observed: 1 variant allele. Study: CSER-HudsonAlpha.

NM_178014.4(TUBB):c.662C>T (p.Thr221Ile)

Gene: TUBB (tubulin beta class I; plus strand). Cytogenetic location: 6p21.33.
Variant type: single nucleotide variant.
Coding change: c.662C>T on transcript NM_178014.4 (MANE Select); coding-DNA position 662, C replaced by T.
Protein change: p.Thr221Ile; replaces threonine 221 with isoleucine.
Molecular consequence: missense variant. On other transcripts: intron variant (1).
Genome position (GRCh38, 1-based): chr6:30,723,724, C>T. VCF-style: chr6-30723724-C-T. GRCh37 (hg19) VCF-style: chr6-30691501-C-T.
Other names: c.722C>T, p.Thr241Ile (NM_001293212.2); c.530C>T, p.Thr177Ile (NM_001293214.2); c.446C>T, p.Thr149Ile (NM_001293215.2, NM_001293216.2); c.369+293C>T (NM_001293213.2); c.662C>T (NM_178014.3); short protein forms T221I, T149I, T177I, T241I.
Identifiers: ClinVar variation 235892 (VCV000235892.3), dbSNP rs878853162, ClinGen allele CA10581480.
Genomic context (GRCh38, chr6:30,723,724, plus strand): 5'-GCATTGACAACGAGGCCCTCTATGATATCTGCTTCCGCACTCTGAAGCTGACCACACCAA[C>T]CTACGGGGATCTGAACCACCTTGTCTCAGCCACCATGAGTGGTGTCACCACCTGCCTCCG-3'
Protein context (NP_821133.1, residues 211-231): CFRTLKLTTP[Thr221Ile]YGDLNHLVSA